The following is an entry in ClinVar:

NM_000138.5(FBN1):c.826G>T (p.Gly276Ter)

Gene: FBN1 (fibrillin 1; minus strand). Cytogenetic location: 15q21.1.
Variant type: single nucleotide variant.
Coding change: c.826G>T on transcript NM_000138.5 (MANE Select); coding-DNA position 826, G replaced by T.
Protein change: p.Gly276Ter; replaces glycine 276 with a stop codon.
Molecular consequence: nonsense.
Genome position (GRCh38, 1-based): chr15:48,534,116, C>A on the plus strand (G>T on the coding strand, the complement: FBN1 is on the minus strand). VCF-style: chr15-48534116-C-A. GRCh37 (hg19) VCF-style: chr15-48826313-C-A.
Other names: c.826G>T, p.Gly276Ter (NM_001406716.1, NM_001406717.1); short protein forms G276*.
Identifiers: ClinVar variation 5021598 (VCV005021598.1).

ClinVar aggregate classification (germline): Pathogenic (1 of 4 stars; one submission).

Conditions:
Familial thoracic aortic aneurysm and aortic dissection (TAAD). Also called: Thoracic aortic aneurysms and dissections. Identifiers: Orphanet 91387, MedGen C4707243, MONDO:0019625.

Submission:

Ambry Genetics
Classification: Pathogenic for Familial thoracic aortic aneurysm and aortic dissection. Last evaluated: 2026-08-19. Review status: criteria provided, single submitter. Criteria: Ambry Variant Classification Scheme 2023. Collection method: clinical testing. Allele origin: germline.
Comment: The p.G276* pathogenic mutation (also known as c.826G>T), located in coding exon 7 of the FBN1 gene, results from a G to T substitution at nucleotide position 826. This changes the amino acid from a glycine to a stop codon within coding exon 7. This variant is considered to be rare based on population cohorts in the Genome Aggregation Database (gnomAD). This alteration is expected to result in loss of function by premature protein truncation or nonsense-mediated mRNA decay. As such, this alteration is interpreted as a disease-causing mutation.